The following is an entry in ClinVar:

ClinVar aggregate classification (germline): Likely benign (1 of 4 stars; one submission).

Allele frequency attached by ClinVar (database versions not stated): ExAC 0.00002; TOPMed 0.00002; ESP Exome Variant Server 0.00008.
gnomAD v4.1: 31 of 1,611,648 alleles (0.0019%); highest among the groups gnomAD compares: Admixed American, 0.0033%; 1 homozygote.

Submission:

CeGaT Center for Human Genetics Tuebingen
Classification: Likely benign. Last evaluated: 2022-12-01. Review status: criteria provided, single submitter. Criteria: CeGaT Center For Human Genetics Tuebingen Variant Classification Criteria Version 2. Collection method: clinical testing. Allele origin: germline. Affected: yes. Observed: 1 variant allele.
Comment: RNF213: BP4, BP7

NM_001256071.3(RNF213):c.8331C>T (p.Leu2777=)

Gene: RNF213 (ring finger protein 213; plus strand). Cytogenetic location: 17q25.3.
Variant type: single nucleotide variant.
Coding change: c.8331C>T on transcript NM_001256071.3 (MANE Select); coding-DNA position 8331, C replaced by T.
Protein change: p.Leu2777=; no amino-acid change (leucine 2777 retained).
Molecular consequence: synonymous variant.
Genome position (GRCh38, 1-based): chr17:80,346,666, C>T. VCF-style: chr17-80346666-C-T. GRCh37 (hg19) VCF-style: chr17-78320466-C-T.
Other names: c.8478C>T, p.Leu2826= (NM_001410195.1, NM_020914.5).
Identifiers: ClinVar variation 2648420 (VCV002648420.24), dbSNP rs139701145, ClinGen allele CA8820927.